The following is an entry in ClinVar:

ClinVar aggregate classification (germline): Likely benign. Review status: criteria provided, single submitter (1 of 4 stars). 2 submissions from 2 submitters: Likely benign (1). 1 of the submissions does not count toward it. Last evaluated 2024-11-26.

Conditions:
TAOK1-related disorder. Also called: TAOK1-related condition.

Allele frequency attached by ClinVar (database versions not stated): gnomAD exomes 0.00021; ExAC 0.00062; 1000 Genomes Project 0.00100; 1000 Genomes Project 30x 0.00141; ESP Exome Variant Server 0.00177; gnomAD 0.00216; TOPMed 0.00217.
gnomAD v4.1: 638 of 1,610,500 alleles (0.04%); highest among the groups gnomAD compares: African/African-American, 0.72%; no homozygotes.

Submissions (2):

Blueprint Genetics
Classification: Likely benign. Last evaluated: 2024-11-26. Review status: criteria provided, single submitter. Criteria: ACMG Guidelines, 2015. Collection method: clinical testing. Allele origin: germline.

PreventionGenetics, part of Exact Sciences
Classification: Benign for TAOK1-related condition. Last evaluated: 2024-03-06. Review status: no assertion criteria provided. Collection method: clinical testing. Allele origin: germline. Not counted in ClinVar's aggregate classification.
Comment: This variant is classified as benign based on ACMG/AMP sequence variant interpretation guidelines (Richards et al. 2015 PMID: 25741868, with internal and published modifications).

NM_020791.4(TAOK1):c.300A>G (p.Thr100=)

Gene: TAOK1 (TAO kinase 1; plus strand). Cytogenetic location: 17q11.2.
Variant type: single nucleotide variant.
Coding change: c.300A>G on transcript NM_020791.4 (MANE Select); coding-DNA position 300, A replaced by G.
Protein change: p.Thr100=; no amino-acid change (threonine 100 retained).
Molecular consequence: synonymous variant.
Genome position (GRCh38, 1-based): chr17:29,475,765, A>G. VCF-style: chr17-29475765-A-G. GRCh37 (hg19) VCF-style: chr17-27802783-A-G.
Other names: c.300A>G, p.Thr100= (NM_025142.1).
Identifiers: ClinVar variation 3056695 (VCV003056695.3), dbSNP rs147203802, ClinGen allele CA8474386.